The following is an entry in ClinVar:

ClinVar aggregate classification (germline): Uncertain significance (1 of 4 stars; one submission).

gnomAD v4.1: 2 of 1,573,518 alleles (0.00013%); highest among the groups gnomAD compares: Non-Finnish European, 0.00017%; no homozygotes.

Submission:

Ambry Genetics
Classification: Uncertain significance. Last evaluated: 2025-10-07. Review status: criteria provided, single submitter. Criteria: Ambry Variant Classification Scheme 2023. Collection method: clinical testing. Allele origin: germline.
Comment: The p.P45L variant (also known as c.134C>T), located in coding exon 1 of the ATRIP gene, results from a C to T substitution at nucleotide position 134. The proline at codon 45 is replaced by leucine, an amino acid with similar properties. This amino acid position is conserved. In addition, this alteration is predicted to be tolerated by in silico analysis. Based on the available evidence, the clinical significance of this variant remains unclear.

NM_130384.3(ATRIP):c.134C>T (p.Pro45Leu)

Genes: ATRIP (ATR interacting protein; plus strand), ATRIP-TREX1 (ATRIP-TREX1 readthrough; plus strand), LOC129936703 (ATAC-STARR-seq lymphoblastoid silent region 14331; plus strand). Cytogenetic location: 3p21.31.
Variant type: single nucleotide variant.
Coding change: c.134C>T on transcript NM_130384.3 (MANE Select); coding-DNA position 134, C replaced by T.
Protein change: p.Pro45Leu; replaces proline 45 with leucine.
Molecular consequence: missense variant. On other transcripts: non-coding transcript variant (1), intron variant (1).
Genome position (GRCh38, 1-based): chr3:48,446,979, C>T. VCF-style: chr3-48446979-C-T. GRCh37 (hg19) VCF-style: chr3-48488383-C-T.
Other names: c.134C>T, p.Pro45Leu (NM_032166.4); c.-218+180C>T (NM_001271022.2); short protein forms P45L.
Identifiers: ClinVar variation 4644531 (VCV004644531.1).